The following is an entry in ClinVar:

ClinVar aggregate classification (germline): Uncertain significance (1 of 4 stars; one submission).

Conditions:
Inborn genetic diseases. Identifiers: MedGen C0950123, MeSH D030342.

Submission:

Ambry Genetics
Classification: Uncertain significance for Inborn genetic diseases. Last evaluated: 2021-07-09. Review status: criteria provided, single submitter. Criteria: Ambry Variant Classification Scheme 2023. Collection method: clinical testing. Allele origin: germline.
Comment: The p.M2052T variant (also known as c.6155T>C), located in coding exon 36 of the ATR gene, results from a T to C substitution at nucleotide position 6155. The methionine at codon 2052 is replaced by threonine, an amino acid with similar properties. This amino acid position is conserved. In addition, this alteration is predicted to be tolerated by in silico analysis. Since supporting evidence is limited at this time, the clinical significance of this alteration remains unclear.

NM_001184.4(ATR):c.6155T>C (p.Met2052Thr)

Genes: ATR (ATR checkpoint kinase; minus strand), LOC126806830 (BRD4-independent group 4 enhancer GRCh37_chr3:142203676-142204875; plus strand). Cytogenetic location: 3q23.
Variant type: single nucleotide variant.
Coding change: c.6155T>C on transcript NM_001184.4 (MANE Select); coding-DNA position 6155, T replaced by C.
Protein change: p.Met2052Thr; replaces methionine 2052 with threonine.
Molecular consequence: missense variant.
Genome position (GRCh38, 1-based): chr3:142,485,206, A>G on the plus strand (T>C on the coding strand, the complement: ATR is on the minus strand). VCF-style: chr3-142485206-A-G. GRCh37 (hg19) VCF-style: chr3-142204048-A-G.
Other names: c.5963T>C, p.Met1988Thr (NM_001354579.2); short protein forms M2052T, M1988T.
Identifiers: ClinVar variation 1751903 (VCV001751903.2), dbSNP rs2108311161, ClinGen allele CA354809656.